The following is an entry in ClinVar:

NM_139076.3(ABRAXAS1):c.293G>A (p.Gly98Asp)

Gene: ABRAXAS1 (abraxas 1, BRCA1 A complex subunit; minus strand). Cytogenetic location: 4q21.23.
Variant type: single nucleotide variant.
Coding change: c.293G>A on transcript NM_139076.3 (MANE Select); coding-DNA position 293, G replaced by A.
Protein change: p.Gly98Asp; replaces glycine 98 with aspartic acid.
Molecular consequence: missense variant. On other transcripts: 5 prime UTR variant (1).
Genome position (GRCh38, 1-based): chr4:83,470,386, C>T on the plus strand (G>A on the coding strand, the complement: ABRAXAS1 is on the minus strand). VCF-style: chr4-83470386-C-T. GRCh37 (hg19) VCF-style: chr4-84391539-C-T.
Other names: c.-35G>A (NM_001345962.2); short protein forms G98D.
Identifiers: ClinVar variation 1800131 (VCV001800131.2), dbSNP rs1722535190, ClinGen allele CA357260313.

ClinVar aggregate classification (germline): Uncertain significance (1 of 4 stars; one submission).

Submission:

Ambry Genetics
Classification: Uncertain significance. Last evaluated: 2022-07-05. Review status: criteria provided, single submitter. Criteria: Ambry Variant Classification Scheme 2023. Collection method: clinical testing. Allele origin: germline.
Comment: The p.G98D variant (also known as c.293G>A), located in coding exon 5 of the FAM175A gene, results from a G to A substitution at nucleotide position 293. The glycine at codon 98 is replaced by aspartic acid, an amino acid with similar properties. This amino acid position is conserved. In addition, this alteration is predicted to be deleterious by in silico analysis. Since supporting evidence is limited at this time, the clinical significance of this alteration remains unclear.